The following is an entry in ClinVar:

ClinVar aggregate classification (germline): Pathogenic. Review status: criteria provided, multiple submitters, no conflicts (2 of 4 stars). 4 submissions from 4 submitters: Pathogenic (3). 1 of the submissions does not count toward it. Last evaluated 2024-01-06.

Conditions:
Fanconi anemia (FA). Also called: Fanconi's anemia. Identifiers: Orphanet 84, MedGen C0015625, MeSH D005199, MONDO:0019391.
Fanconi anemia complementation group D2. Also called: FANCD2-Related Fanconi Anemia; FANCONI PANCYTOPENIA, TYPE 4; FANCONI ANEMIA, COMPLEMENTATION GROUP D. Identifiers: Orphanet 84, MedGen C3160738, MONDO:0009214, OMIM 227646.

Submissions (4):

Labcorp Genetics (formerly Invitae), Labcorp
Classification: Pathogenic for Fanconi anemia. Last evaluated: 2024-01-06. Review status: criteria provided, single submitter. Criteria: Invitae Variant Classification Sherloc (09022015). Collection method: clinical testing. Allele origin: germline.
Comment: This sequence change creates a premature translational stop signal (p.Asn1151Lysfs*46) in the FANCD2 gene. It is expected to result in an absent or disrupted protein product. Loss-of-function variants in FANCD2 are known to be pathogenic (PMID: 17436244). This variant is not present in population databases (gnomAD no frequency). This premature translational stop signal has been observed in individual(s) with Fanconi anaemia (PMID: 17436244). ClinVar contains an entry for this variant (Variation ID: 929666). For these reasons, this variant has been classified as Pathogenic.

Baylor Genetics
Classification: Pathogenic for Fanconi anemia complementation group D2. Last evaluated: 2023-08-07. Review status: criteria provided, single submitter. Criteria: ACMG Guidelines, 2015. Collection method: clinical testing. Allele origin: unknown.

Revvity Omics, Revvity
Classification: Pathogenic for Fanconi anemia complementation group D2. Last evaluated: 2019-07-29. Review status: criteria provided, single submitter. Criteria: ACMG Guidelines, 2015. Collection method: clinical testing. Allele origin: germline.

Leiden Open Variation Database
Classification: Pathogenic for Fanconi anemia complementation group D2. Last evaluated: 2020-02-28. Review status: no assertion criteria provided. Collection method: curation. Allele origin: germline. Affected: yes. Not counted in ClinVar's aggregate classification.
Comment: Curator: Arleen D. Auerbach. Submitter to LOVD: Arleen D. Auerbach.

Literature cited by the submitters: PubMed 17436244 (cited by Labcorp Genetics (formerly Invitae), Labcorp and Leiden Open Variation Database).

NM_001018115.3(FANCD2):c.3453_3456del (p.Asn1151fs)

Genes: FANCD2 (FA complementation group D2; plus strand), FANCD2OS (FANCD2 opposite strand; minus strand). Cytogenetic location: 3p25.3.
Variant type: Deletion.
Coding change: c.3453_3456del on transcript NM_001018115.3 (MANE Select); coding-DNA positions 3453 to 3456, 4 bases deleted (CAAA; older notation c.3453_3456delCAAA).
Protein change: p.Asn1151fs; shifts the reading frame from asparagine 1151.
Molecular consequence: frameshift variant. On other transcripts: intron variant (1).
Genome position (GRCh38, 1-based): chr3:10,087,251-10,087,254, CAAA deleted; deleting any 4 consecutive bases within chr3:10,087,249-10,087,254 gives the same sequence; the c. name uses the placement nearest the transcript's 3' end. VCF-style (leftmost placement, unchanged base first): chr3-10087248-GAACA-G. GRCh37 (hg19) VCF-style: chr3-10128932-GAACA-G.
Other names: c.3453_3456delCAAA, p.Asn1151Lysfs (NM_001018115.1, NM_033084.3); c.3453_3456del, p.Asn1151fs (NM_001319984.2, NM_001374254.1, NM_033084.6); c.3342_3345del, p.Asn1114fs (NM_001374253.1); c.*44-5721_*44-5718del (NM_173472.2); short protein forms N1114fs, N1151fs.
Identifiers: ClinVar variation 929666 (VCV000929666.10), dbSNP rs1559403654, ClinGen allele CA916832585.